The following is an entry in ClinVar:

ClinVar aggregate classification (germline): Uncertain significance (1 of 4 stars; one submission).

Conditions:
Early-infantile DEE. Also called: Early infantile epileptic encephalopathy with suppression bursts; Early infantile epileptic encephalopathy; Ohtahara syndrome. Identifiers: Orphanet 1934, MedGen C0393706, MONDO:0800491.

Submission:

Labcorp Genetics (formerly Invitae), Labcorp
Classification: Uncertain significance for Early-infantile DEE. Last evaluated: 2022-09-09. Review status: criteria provided, single submitter. Criteria: Invitae Variant Classification Sherloc (09022015). Collection method: clinical testing. Allele origin: germline.
Comment: This variant is not present in population databases (gnomAD no frequency). In summary, the available evidence is currently insufficient to determine the role of this variant in disease. Therefore, it has been classified as a Variant of Uncertain Significance. Algorithms developed to predict the effect of missense changes on protein structure and function are either unavailable or do not agree on the potential impact of this missense change (SIFT: "Deleterious"; PolyPhen-2: "Probably Damaging"; Align-GVGD: "Class C0"). This variant has not been reported in the literature in individuals affected with KCNQ2-related conditions. This sequence change replaces glycine, which is neutral and non-polar, with arginine, which is basic and polar, at codon 860 of the KCNQ2 protein (p.Gly860Arg).

NM_172107.4(KCNQ2):c.2578G>C (p.Gly860Arg)

Gene: KCNQ2 (potassium voltage-gated channel subfamily Q member 2; minus strand). Cytogenetic location: 20q13.33.
Variant type: single nucleotide variant.
Coding change: c.2578G>C on transcript NM_172107.4 (MANE Select); coding-DNA position 2578, G replaced by C.
Protein change: p.Gly860Arg; replaces glycine 860 with arginine.
Molecular consequence: missense variant.
Genome position (GRCh38, 1-based): chr20:63,406,685, C>G on the plus strand (G>C on the coding strand, the complement: KCNQ2 is on the minus strand). VCF-style: chr20-63406685-C-G. GRCh37 (hg19) VCF-style: chr20-62038038-C-G.
Other names: c.2632G>C, p.Gly878Arg (NM_001382235.1); c.2494G>C, p.Gly832Arg (NM_004518.6); c.2524G>C, p.Gly842Arg (NM_172106.3); c.2485G>C, p.Gly829Arg (NM_172108.5); short protein forms G829R, G832R, G842R, G860R, G878R.
Identifiers: ClinVar variation 1719135 (VCV001719135.5), dbSNP rs2516090545, ClinGen allele CA409636475.
Genomic context (GRCh38, chr20:63,406,685, plus strand): 5'-CCACTGGCCCAGCGCCGCCTCACTTCCTGGGCCCGGCCCAGCCCACGTCACCAAAGGGAC[C>G]CTCGCCGGTGGCCGAGCGTGGCGGGGGCCCGCACGGGGTACAGAGGTCGGAGTCGGTGTC-3'
Protein context (NP_742105.1, residues 850-870): GPPPRSATGE[Gly860Arg]PFGDVGWAGP